The following is an entry in ClinVar:

ClinVar aggregate classification (germline): Benign (0 of 4 stars; one submission).

Conditions:
PNPLA5-related disorder. Also called: PNPLA5-related condition.

Allele frequency attached by ClinVar (database versions not stated): gnomAD exomes 0.00020; ExAC 0.00103; 1000 Genomes Project 30x 0.00203; TOPMed 0.00213; gnomAD 0.00216; 1000 Genomes Project 0.00220.
gnomAD v4.1: 610 of 1,522,552 alleles (0.04%); highest among the groups gnomAD compares: African/African-American, 0.8%; 2 homozygotes.

Submission:

PreventionGenetics, part of Exact Sciences
Classification: Benign for PNPLA5-related condition. Last evaluated: 2019-06-18. Review status: no assertion criteria provided. Collection method: clinical testing. Allele origin: germline.
Comment: This variant is classified as benign based on ACMG/AMP sequence variant interpretation guidelines (Richards et al. 2015 PMID: 25741868, with internal and published modifications).

NM_138814.4(PNPLA5):c.75G>A (p.Val25=)

Gene: PNPLA5 (patatin like domain 5, triacylglycerol lipase; minus strand). Cytogenetic location: 22q13.31.
Variant type: single nucleotide variant.
Coding change: c.75G>A on transcript NM_138814.4 (MANE Select); coding-DNA position 75, G replaced by A.
Protein change: p.Val25=; no amino-acid change (valine 25 retained).
Molecular consequence: synonymous variant. On other transcripts: 5 prime UTR variant (1).
Genome position (GRCh38, 1-based): chr22:43,891,806, C>T on the plus strand (G>A on the coding strand, the complement: PNPLA5 is on the minus strand). VCF-style: chr22-43891806-C-T. GRCh37 (hg19) VCF-style: chr22-44287686-C-T.
Other names: c.75G>A, p.Val25= (NM_001177675.2); c.-390G>A (NM_001371410.1).
Identifiers: ClinVar variation 3033575 (VCV003033575.2), dbSNP rs569493493, ClinGen allele CA10277739.
Genomic context (GRCh38, chr22:43,891,806, plus strand): 5'-GATGCGGCGGGCGCCCTGGAGGAGGCGCGGGGCTCGCTGGCGCAGGCATTCGGTGGCGCC[C>T]ACGTGGTGGGCGCCCAGGTAGCCGGCGCCGGAGAAGGACAGGTTCCATCTGCCCTCCTCC-3'
Protein context (NP_620169.1, residues 15-35): SGAGYLGAHH[Val25=]GATECLRQRA